The following is an entry in ClinVar:

ClinVar aggregate classification (germline): Uncertain significance (1 of 4 stars; one submission).

Allele frequency attached by ClinVar (database versions not stated): gnomAD exomes below 0.00001.
gnomAD v4.1: 3 of 1,611,924 alleles (0.00019%); highest among the groups gnomAD compares: Admixed American, 0.0017%; no homozygotes.

Submission:

Labcorp Genetics (formerly Invitae), Labcorp
Classification: Uncertain significance. Last evaluated: 2024-11-11. Review status: criteria provided, single submitter. Criteria: Invitae Variant Classification Sherloc (09022015). Collection method: clinical testing. Allele origin: germline.
Comment: This sequence change replaces lysine, which is basic and polar, with arginine, which is basic and polar, at codon 3629 of the ADGRV1 protein (p.Lys3629Arg). This variant is present in population databases (no rsID available, gnomAD 0.003%). This variant has not been reported in the literature in individuals affected with ADGRV1-related conditions. ClinVar contains an entry for this variant (Variation ID: 1961890). Invitae Evidence Modeling of protein sequence and biophysical properties (such as structural, functional, and spatial information, amino acid conservation, physicochemical variation, residue mobility, and thermodynamic stability) indicates that this missense variant is not expected to disrupt ADGRV1 protein function with a negative predictive value of 95%. In summary, the available evidence is currently insufficient to determine the role of this variant in disease. Therefore, it has been classified as a Variant of Uncertain Significance.

NM_032119.4(ADGRV1):c.10886A>G (p.Lys3629Arg)

Gene: ADGRV1 (adhesion G protein-coupled receptor V1; plus strand). Cytogenetic location: 5q14.3.
Variant type: single nucleotide variant.
Coding change: c.10886A>G on transcript NM_032119.4 (MANE Select); coding-DNA position 10886, A replaced by G.
Protein change: p.Lys3629Arg; replaces lysine 3629 with arginine.
Molecular consequence: missense variant. On other transcripts: non-coding transcript variant (1).
Genome position (GRCh38, 1-based): chr5:90,745,707, A>G. VCF-style: chr5-90745707-A-G. GRCh37 (hg19) VCF-style: chr5-90041524-A-G.
Other names: short protein forms K3629R.
Identifiers: ClinVar variation 1961890 (VCV001961890.4), dbSNP rs1269447358, ClinGen allele CA360409273.